The following is an entry in ClinVar:

ClinVar aggregate classification (germline): Uncertain significance. Review status: criteria provided, multiple submitters, no conflicts (2 of 4 stars). 2 submissions from 2 submitters: Uncertain significance (2). Last evaluated 2025-05-23.

Conditions:
Inborn genetic diseases. Identifiers: MedGen C0950123, MeSH D030342.

Allele frequency attached by ClinVar (database versions not stated): TOPMed below 0.00001.

Submissions (2):

Ambry Genetics
Classification: Uncertain significance for Inborn genetic diseases. Last evaluated: 2025-05-23. Review status: criteria provided, single submitter. Criteria: Ambry Variant Classification Scheme 2023. Collection method: clinical testing. Allele origin: germline.

Labcorp Genetics (formerly Invitae), Labcorp
Classification: Uncertain significance. Last evaluated: 2022-03-27. Review status: criteria provided, single submitter. Criteria: Invitae Variant Classification Sherloc (09022015). Collection method: clinical testing. Allele origin: germline.
Comment: This sequence change replaces phenylalanine, which is neutral and non-polar, with leucine, which is neutral and non-polar, at codon 275 of the ABHD12 protein (p.Phe275Leu). In summary, the available evidence is currently insufficient to determine the role of this variant in disease. Therefore, it has been classified as a Variant of Uncertain Significance. Algorithms developed to predict the effect of missense changes on protein structure and function are either unavailable or do not agree on the potential impact of this missense change (SIFT: "Deleterious"; PolyPhen-2: "Probably Damaging"; Align-GVGD: "Class C15"). This variant has not been reported in the literature in individuals affected with ABHD12-related conditions. This variant is not present in population databases (gnomAD no frequency).

NM_001042472.3(ABHD12):c.825C>G (p.Phe275Leu)

Gene: ABHD12 (abhydrolase domain containing 12, lysophospholipase; minus strand). Cytogenetic location: 20p11.21.
Variant type: single nucleotide variant.
Coding change: c.825C>G on transcript NM_001042472.3 (MANE Select); coding-DNA position 825, C replaced by G.
Protein change: p.Phe275Leu; replaces phenylalanine 275 with leucine.
Molecular consequence: missense variant.
Genome position (GRCh38, 1-based): chr20:25,308,008, G>C on the plus strand (C>G on the coding strand, the complement: ABHD12 is on the minus strand). VCF-style: chr20-25308008-G-C. GRCh37 (hg19) VCF-style: chr20-25288644-G-C.
Other names: c.825C>G, p.Phe275Leu (NM_015600.5); c.825C>G (NM_001042472.2); short protein forms F275L.
Identifiers: ClinVar variation 1946943 (VCV001946943.6), dbSNP rs2088776946, ClinGen allele CA408455888.